The following is an entry in ClinVar:

ClinVar aggregate classification (germline): Uncertain significance (1 of 4 stars; one submission).

Conditions:
Familial cold autoinflammatory syndrome 2 (FCAS2). Identifiers: Orphanet 247868, MedGen C2673198, MONDO:0012724, OMIM 611762.

Allele frequency attached by ClinVar (database versions not stated): gnomAD 0.00001; gnomAD exomes 0.00001; ExAC 0.00002.
gnomAD v4.1: 23 of 1,613,880 alleles (0.0014%); highest among the groups gnomAD compares: South Asian, 0.0022%; no homozygotes.

Submission:

Labcorp Genetics (formerly Invitae), Labcorp
Classification: Uncertain significance for Familial cold autoinflammatory syndrome 2. Last evaluated: 2019-07-26. Review status: criteria provided, single submitter. Criteria: Invitae Variant Classification Sherloc (09022015). Collection method: clinical testing. Allele origin: germline.
Comment: In summary, the available evidence is currently insufficient to determine the role of this variant in disease. Therefore, it has been classified as a Variant of Uncertain Significance. Algorithms developed to predict the effect of missense changes on protein structure and function are either unavailable or do not agree on the potential impact of this missense change (SIFT: "Deleterious"; PolyPhen-2: "Probably Damaging"; Align-GVGD: "Class C0"). This sequence change replaces glutamic acid with glycine at codon 87 of the NLRP12 protein (p.Glu87Gly). The glutamic acid residue is highly conserved and there is a moderate physicochemical difference between glutamic acid and glycine. This variant is present in population databases (rs764855416, ExAC 0.006%). This variant has not been reported in the literature in individuals with NLRP12-related conditions.

NM_144687.4(NLRP12):c.260A>G (p.Glu87Gly)

Gene: NLRP12 (NLR family pyrin domain containing 12; minus strand). Cytogenetic location: 19q13.42.
Variant type: single nucleotide variant.
Coding change: c.260A>G on transcript NM_144687.4 (MANE Select); coding-DNA position 260, A replaced by G.
Protein change: p.Glu87Gly; replaces glutamic acid 87 with glycine.
Molecular consequence: missense variant.
Genome position (GRCh38, 1-based): chr19:53,823,915, T>C on the plus strand (A>G on the coding strand, the complement: NLRP12 is on the minus strand). VCF-style: chr19-53823915-T-C. GRCh37 (hg19) VCF-style: chr19-54327169-T-C.
Other names: c.260A>G, p.Glu87Gly (NM_001277126.2, NM_001277129.1); short protein forms E87G.
Identifiers: ClinVar variation 840127 (VCV000840127.9), dbSNP rs764855416, ClinGen allele CA9639805.